The following is an entry in ClinVar:

ClinVar aggregate classification (germline): Uncertain significance (1 of 4 stars; one submission).

Submission:

Mayo Clinic Laboratories, Mayo Clinic
Classification: Uncertain significance. Last evaluated: 2024-06-14. Review status: criteria provided, single submitter. Criteria: ACMG Guidelines, 2015. Collection method: clinical testing. Allele origin: germline. Observed: 1 variant allele.
Comment: PM2

NM_024884.3(L2HGDH):c.1283T>C (p.Ile428Thr)

Gene: L2HGDH (L-2-hydroxyglutarate dehydrogenase; minus strand). Cytogenetic location: 14q21.3.
Variant type: single nucleotide variant.
Coding change: c.1283T>C on transcript NM_024884.3 (MANE Select); coding-DNA position 1283, T replaced by C.
Protein change: p.Ile428Thr; replaces isoleucine 428 with threonine.
Molecular consequence: missense variant.
Genome position (GRCh38, 1-based): chr14:50,247,167, A>G on the plus strand (T>C on the coding strand, the complement: L2HGDH is on the minus strand). VCF-style: chr14-50247167-A-G. GRCh37 (hg19) VCF-style: chr14-50713885-A-G.
Other names: p.Ile428Thr; c.1283T>C, p.Ile428Thr (NM_001425212.1); c.1172T>C, p.Ile391Thr (NM_001425213.1, NM_001425214.1); c.737T>C, p.Ile246Thr (NM_001425215.1, NM_001425216.1, NM_001425217.1 and 1 more transcripts); short protein forms I246T, I391T, I428T.
Identifiers: ClinVar variation 3380190 (VCV003380190.1).